The following is an entry in ClinVar:

ClinVar aggregate classification (germline): Uncertain significance (1 of 4 stars; one submission).

Conditions:
Focal segmental glomerulosclerosis 1 (FSGS1). Identifiers: Orphanet 656, MedGen C4551527, MONDO:0011303, OMIM 603278.

Allele frequency attached by ClinVar (database versions not stated): gnomAD exomes below 0.00001.
gnomAD v4.1: 3 of 1,614,198 alleles (0.00019%); highest among the groups gnomAD compares: Admixed American, 0.0017%; no homozygotes.

Submission:

3billion
Classification: Uncertain significance for Focal segmental glomerulosclerosis 1. Last evaluated: 2023-02-23. Review status: criteria provided, single submitter. Criteria: ACMG Guidelines, 2015. Collection method: clinical testing. Allele origin: unknown. Affected: yes.
Comment: The variant is observed at an extremely low frequency in the gnomAD v2.1.1 dataset (total allele frequency: <0.001%). Missense changes are a common disease-causing mechanism. In silico tool predictions suggest damaging effect of the variant on gene or gene product (REVEL: 0.83). Therefore, this variant is classified as VUS according to the recommendation of ACMG/AMP guideline.

NM_004924.6(ACTN4):c.445A>G (p.Ile149Val)

Gene: ACTN4 (actinin alpha 4; plus strand). Cytogenetic location: 19q13.2.
Variant type: single nucleotide variant.
Coding change: c.445A>G on transcript NM_004924.6 (MANE Select); coding-DNA position 445, A replaced by G.
Protein change: p.Ile149Val; replaces isoleucine 149 with valine.
Molecular consequence: missense variant.
Genome position (GRCh38, 1-based): chr19:38,704,981, A>G. VCF-style: chr19-38704981-A-G. GRCh37 (hg19) VCF-style: chr19-39195621-A-G.
Other names: c.445A>G, p.Ile149Val (NM_001322033.2, NM_001411143.1); short protein forms I149V.
Identifiers: ClinVar variation 2444236 (VCV002444236.1), dbSNP rs1420356916, ClinGen allele CA405689739.
Genomic context (GRCh38, chr19:38,704,981, plus strand): 5'-TCCCTGTGTGCAGAGATTGTGGACGGCAACGCAAAGATGACCCTGGGAATGATCTGGACC[A>G]TCATCCTTAGGTTCGCCATCCAGGACATCTCCGTGGAAGGTGACAGCCACCTGTACTGCC-3'
Protein context (NP_004915.2, residues 139-159): AKMTLGMIWT[Ile149Val]ILRFAIQDIS